The following is an entry in ClinVar:

NM_020458.4(TTC7A):c.1188C>G (p.Tyr396Ter)

Gene: TTC7A (tetratricopeptide repeat domain 7A; plus strand). Cytogenetic location: 2p21.
Variant type: single nucleotide variant.
Coding change: c.1188C>G on transcript NM_020458.4 (MANE Select); coding-DNA position 1188, C replaced by G.
Protein change: p.Tyr396Ter; replaces tyrosine 396 with a stop codon.
Molecular consequence: nonsense.
Genome position (GRCh38, 1-based): chr2:47,006,044, C>G. VCF-style: chr2-47006044-C-G. GRCh37 (hg19) VCF-style: chr2-47233183-C-G.
Other names: c.1188C>G, p.Tyr396Ter (NM_001288951.2); c.1086C>G, p.Tyr362Ter (NM_001288953.2); c.126C>G, p.Tyr42Ter (NM_001288955.2); short protein forms Y362*, Y396*, Y42*.
Identifiers: ClinVar variation 4771851 (VCV004771851.2).

ClinVar aggregate classification (germline): Pathogenic (1 of 4 stars; one submission).

Conditions:
Multiple gastrointestinal atresias. Also called: Multiple intestinal atresia; FAMILIAL INTESTINAL POLYATRESIA SYNDROME. Identifiers: Orphanet 2300, MedGen C0220744, MONDO:0009465.

gnomAD v4.1: 2 of 1,613,860 alleles (0.00012%); highest among the groups gnomAD compares: Non-Finnish European, 0.00017%; no homozygotes.

Submission:

Labcorp Genetics (formerly Invitae), Labcorp
Classification: Pathogenic for Multiple gastrointestinal atresias. Last evaluated: 2025-08-29. Review status: criteria provided, single submitter. Criteria: Invitae Variant Classification Sherloc (09022015). Collection method: clinical testing. Allele origin: germline.
Comment: This sequence change creates a premature translational stop signal (p.Tyr396*) in the TTC7A gene. It is expected to result in an absent or disrupted protein product. Loss-of-function variants in TTC7A are known to be pathogenic (PMID: 23830146, 24292712). This variant is not present in population databases (gnomAD no frequency). This variant has not been reported in the literature in individuals affected with TTC7A-related conditions. For these reasons, this variant has been classified as Pathogenic.

Literature cited by the submitters: PubMed 23830146; PubMed 24292712.